The following is an entry in ClinVar:

ClinVar aggregate classification (germline): Pathogenic. Review status: criteria provided, multiple submitters, no conflicts (2 of 4 stars). 4 submissions from 4 submitters: Pathogenic (3). 1 of the submissions does not count toward it. Last evaluated 2026-06-11.

Conditions:
Familial thoracic aortic aneurysm and aortic dissection (TAAD). Also called: Thoracic aortic aneurysms and dissections. Identifiers: Orphanet 91387, MedGen C4707243, MONDO:0019625.
Marfan syndrome (MFS). Also called: FBN1-Related Marfan Syndrome; Marfan syndrome, classic; MARFAN SYNDROME, TYPE I; Marfan syndrome type 1; Marfan's syndrome. Identifiers: Orphanet 284963, Orphanet 558, MedGen C0024796, MONDO:0007947, OMIM 154700.

Submissions (4):

Ambry Genetics
Classification: Pathogenic for Familial thoracic aortic aneurysm and aortic dissection. Last evaluated: 2026-06-11. Review status: criteria provided, single submitter. Criteria: Ambry Variant Classification Scheme 2023. Collection method: clinical testing. Allele origin: germline.
Comment: The p.C781R pathogenic mutation (also known as c.2341T>C), located in coding exon 19 of the FBN1 gene, results from a T to C substitution at nucleotide position 2341. The cysteine at codon 781 is replaced by arginine, an amino acid with highly dissimilar properties. This variant was reported in individual(s) with features consistent with Marfan syndrome (Loeys B et al. Arch Intern Med, 2001 Nov;161:2447-54; Katzke S et al. Hum Mutat, 2002 Sep;20:197-208; Yang H et al. J Thorac Cardiovasc Surg, 2023 Dec;166:1594-1603.e5; Ambry internal data). The majority of FBN1 mutations identified to date have involved the substitution or generation of cysteine residues within cbEGF domains (Vollbrandt T et al. J Biol Chem. 2004;279(31):32924-32931). Internal structural analysis indicates this variant eliminates a disulfide bond critical for the structural integrity of the cbEGF8 domain (Ambry internal data). This amino acid position is highly conserved in available vertebrate species. In addition, this alteration is predicted to be deleterious by in silico analysis. This variant is considered to be rare based on population cohorts in the Genome Aggregation Database (gnomAD). Based on the supporting evidence, this variant is interpreted as a disease-causing mutation.

GeneDx
Classification: Pathogenic. Last evaluated: 2022-06-10. Review status: criteria provided, single submitter. Criteria: GeneDx Variant Classification Process June 2021. Collection method: clinical testing. Allele origin: germline. Affected: yes.
Comment: Affects a cysteine residue within a calcium-binding EGF-like domain of the FBN1 gene, which may affect disulfide bonding and is predicted to alter the structure and function of the protein; cysteine substitutions in the calcium-binding EGF-like domains represent the majority of pathogenic missense changes associated with FBN1-related disorders (Collod-Beroud et al., 2003); Not observed at significant frequency in large population cohorts (gnomAD); In silico analysis supports that this missense variant has a deleterious effect on protein structure/function; This variant is associated with the following publications: (PMID: 11700157, 12203992, 22772377, 12938084, 25966184, 16220557)

Laboratory for Molecular Medicine, Mass General Brigham Personalized Medicine
Classification: Pathogenic for Marfan syndrome. Last evaluated: 2009-03-05. Review status: criteria provided, single submitter. Criteria: LMM Criteria. Collection method: clinical testing. Allele origin: germline. Observed: 2 variant alleles.

Center for Medical Genetics Ghent, University of Ghent
Classification: Pathogenic for Marfan syndrome. Last evaluated: 2017-11-07. Review status: no assertion criteria provided. Collection method: clinical testing. Allele origin: germline. Affected: yes. Not counted in ClinVar's aggregate classification.

Literature cited by the submitters: PubMed 11700157 (cited by Ambry Genetics and Laboratory for Molecular Medicine, Mass General Brigham Personalized Medicine); PubMed 12203992 (cited by Ambry Genetics and Laboratory for Molecular Medicine, Mass General Brigham Personalized Medicine); PubMed 36517271 (cited by Ambry Genetics).

NM_000138.5(FBN1):c.2341T>C (p.Cys781Arg)

Gene: FBN1 (fibrillin 1; minus strand). Cytogenetic location: 15q21.1.
Variant type: single nucleotide variant.
Coding change: c.2341T>C on transcript NM_000138.5 (MANE Select); coding-DNA position 2341, T replaced by C.
Protein change: p.Cys781Arg; replaces cysteine 781 with arginine.
Molecular consequence: missense variant.
Genome position (GRCh38, 1-based): chr15:48,496,178, A>G on the plus strand (T>C on the coding strand, the complement: FBN1 is on the minus strand). VCF-style: chr15-48496178-A-G. GRCh37 (hg19) VCF-style: chr15-48788375-A-G.
Other names: short protein forms C781R.
Identifiers: ClinVar variation 42301 (VCV000042301.10), dbSNP rs397515766, ClinGen allele CA012967.